The following is an entry in ClinVar:

NM_001017974.2(P4HA2):c.940C>T (p.His314Tyr)

Gene: P4HA2 (prolyl 4-hydroxylase subunit alpha 2; minus strand). Cytogenetic location: 5q31.1.
Variant type: single nucleotide variant.
Coding change: c.940C>T on transcript NM_001017974.2 (MANE Select); coding-DNA position 940, C replaced by T.
Protein change: p.His314Tyr; replaces histidine 314 with tyrosine.
Molecular consequence: missense variant. On other transcripts: intron variant (1).
Genome position (GRCh38, 1-based): chr5:132,207,848, G>A on the plus strand (C>T on the coding strand, the complement: P4HA2 is on the minus strand). VCF-style: chr5-132207848-G-A. GRCh37 (hg19) VCF-style: chr5-131543541-G-A.
Other names: c.940C>T, p.His314Tyr (NM_001142598.2, NM_001142599.2, NM_001365677.2 and 4 more transcripts); c.903+1290C>T (NM_001365681.2); c.940C>T (NM_004199.2); short protein forms H314Y.
Identifiers: ClinVar variation 593977 (VCV000593977.8), dbSNP rs141800760, ClinGen allele CA3402585.
Genomic context (GRCh38, chr5:132,207,848, plus strand): 5'-CCCACTCGTCCTCCTCTTTGAAGGGGGCAATGAGCAGCTGTGGGGCCCTGTTGCCATGGT[G>A]GTACCTACAGAAAAGCCTCTTCTGTCTACGGGGTGTCTGGAAAGCACAGAGTAACAGGCC-3'
Protein context (NP_001017974.1, residues 304-324): RRQKRLFCRY[His314Tyr]HGNRAPQLLI

ClinVar aggregate classification (germline): Conflicting classifications of pathogenicity. Review status: criteria provided, conflicting classifications (1 of 4 stars). 3 submissions from 3 submitters: Uncertain significance (2); Likely benign (1). Last evaluated 2024-11-08.

Conditions:
P4HA2-related disorder. Also called: P4HA2-related condition.

Allele frequency attached by ClinVar (database versions not stated): ESP Exome Variant Server 0.00031; gnomAD 0.00058 and 0.00061; ExAC 0.00062; gnomAD exomes 0.00064 and 0.00091; TOPMed 0.00059.

Submissions (3):

PreventionGenetics, part of Exact Sciences
Classification: Likely benign for P4HA2-related condition. Last evaluated: 2024-11-08. Review status: criteria provided, single submitter. Criteria: ACMG Guidelines, 2015. Collection method: clinical testing. Allele origin: germline.
Comment: This variant is classified as likely benign based on ACMG/AMP sequence variant interpretation guidelines (Richards et al. 2015 PMID: 25741868, with internal and published modifications).

Ambry Genetics
Classification: Uncertain significance. Last evaluated: 2021-07-28. Review status: criteria provided, single submitter. Criteria: Ambry Variant Classification Scheme 2023. Collection method: clinical testing. Allele origin: germline.

Eurofins Ntd Llc (ga)
Classification: Uncertain significance. Last evaluated: 2017-09-06. Review status: criteria provided, single submitter. Criteria: EGL Classification Definitions 2015. Collection method: clinical testing. Allele origin: germline. Observed: 1 variant allele, 1 heterozygote.